The following is an entry in ClinVar:

NM_007294.4(BRCA1):c.544T>A (p.Leu182Met)

Gene: BRCA1 (BRCA1 DNA repair associated; minus strand). Cytogenetic location: 17q21.31.
Variant type: single nucleotide variant.
Coding change: c.544T>A on transcript NM_007294.4 (MANE Select); coding-DNA position 544, T replaced by A.
Protein change: p.Leu182Met; replaces leucine 182 with methionine.
Molecular consequence: missense variant. On other transcripts: non-coding transcript variant (1).
Genome position (GRCh38, 1-based): chr17:43,099,778, A>T on the plus strand (T>A on the coding strand, the complement: BRCA1 is on the minus strand). VCF-style: chr17-43099778-A-T. GRCh37 (hg19) VCF-style: chr17-41251795-A-T.
Other names: c.331T>A, p.Leu111Met (NM_001407571.1, NM_001407853.1, NM_001407894.1 and 18 more transcripts); c.544T>A, p.Leu182Met (NM_001407581.1, NM_001407582.1, NM_001407583.1 and 97 more transcripts); c.541T>A, p.Leu181Met (NM_001407587.1, NM_001407590.1, NM_001407591.1 and 65 more transcripts); c.535T>A, p.Leu179Met (NM_001407646.1, NM_001407647.1, NM_001408408.1); c.466T>A, p.Leu156Met (NM_001407653.1, NM_001407654.1, NM_001407655.1 and 12 more transcripts); c.463T>A, p.Leu155Met (NM_001407659.1, NM_001407660.1, NM_001407661.1 and 6 more transcripts); c.403T>A, p.Leu135Met (NM_001407692.1, NM_001407694.1, NM_001407695.1 and 61 more transcripts); c.400T>A, p.Leu134Met (NM_001407740.1, NM_001407741.1, NM_001407742.1 and 35 more transcripts); and 4 more; short protein forms L182M, L135M, L112M, L134M, L155M, L156M, L181M, L54M.
Identifiers: ClinVar variation 409323 (VCV000409323.11), dbSNP rs1060502339, ClinGen allele CA10601052.

ClinVar aggregate classification (germline): Uncertain significance. Review status: criteria provided, multiple submitters, no conflicts (2 of 4 stars). 2 submissions from 2 submitters: Uncertain significance (2). Last evaluated 2025-12-10.

Conditions:
Hereditary cancer-predisposing syndrome. Also called: Hereditary Cancer Syndrome; Hereditary neoplastic syndrome; Neoplastic Syndromes, Hereditary; Tumor predisposition. Identifiers: Orphanet 140162, MedGen C0027672, MeSH D009386, MONDO:0015356.
Hereditary breast ovarian cancer syndrome. Also called: BRCA1- and BRCA2-Associated Hereditary Breast and Ovarian Cancer; Hereditary breast and ovarian cancer syndrome (HBOC); Hereditary breast and ovarian cancer; Hereditary breast and ovarian cancer syndrome; Breast and ovarian cancer; Hereditary breast and/or ovarian cancer syndrome. Identifiers: Orphanet 145, MedGen C0677776, MeSH D061325, MONDO:0003582. Disease mechanism: loss of function.

Submissions (2):

Ambry Genetics
Classification: Uncertain significance for Hereditary cancer-predisposing syndrome. Last evaluated: 2025-12-10. Review status: criteria provided, single submitter. Criteria: Ambry Variant Classification Scheme 2023. Collection method: clinical testing. Allele origin: germline.
Comment: The p.L182M variant (also known as c.544T>A), located in coding exon 6 of the BRCA1 gene, results from a T to A substitution at nucleotide position 544. The leucine at codon 182 is replaced by methionine, an amino acid with highly similar properties. This amino acid position is highly conserved in available vertebrate species. In addition, this alteration is predicted to be deleterious by in silico analysis. Based on the available evidence, the clinical significance of this variant remains unclear.

Labcorp Genetics (formerly Invitae), Labcorp
Classification: Uncertain significance for Hereditary breast ovarian cancer syndrome. Last evaluated: 2016-04-24. Review status: criteria provided, single submitter. Criteria: Invitae Variant Classification Sherloc (09022015). Collection method: clinical testing. Allele origin: germline.
Comment: This variant is not present in population databases (ExAC no frequency) and has not been reported in the literature in individuals with a BRCA1-related disease. Algorithms developed to predict the effect of missense changes on protein structure and function do not agree on the potential impact of this missense change (SIFT: "Tolerated"; PolyPhen-2: "Probably Damaging"; Align-GVGD: "Class C0"). In summary, this variant is a novel missense change with uncertain impact on protein function. It has been classified as a Variant of Uncertain Significance. This sequence change replaces leucine with methionine at codon 182 of the BRCA1 protein (p.Leu182Met). The leucine residue is moderately conserved and there is a small physicochemical difference between leucine and methionine.